The following is an entry in ClinVar:

NM_001563.4(IMPG1):c.496A>C (p.Arg166=)

Gene: IMPG1 (interphotoreceptor matrix proteoglycan 1; minus strand). Cytogenetic location: 6q14.1.
Variant type: single nucleotide variant.
Coding change: c.496A>C on transcript NM_001563.4 (MANE Select); coding-DNA position 496, A replaced by C.
Protein change: p.Arg166=; no amino-acid change (arginine 166 retained).
Molecular consequence: synonymous variant.
Genome position (GRCh38, 1-based): chr6:76,034,316, T>G on the plus strand (A>C on the coding strand, the complement: IMPG1 is on the minus strand). VCF-style: chr6-76034316-T-G. GRCh37 (hg19) VCF-style: chr6-76744033-T-G.
Other names: c.262A>C, p.Arg88= (NM_001282368.2).
Identifiers: ClinVar variation 866733 (VCV000866733.5), dbSNP rs758038643, ClinGen allele CA3898498.

ClinVar aggregate classification (germline): Uncertain significance. Review status: criteria provided, multiple submitters, no conflicts (2 of 4 stars). 2 submissions from 2 submitters: Uncertain significance (2). Last evaluated 2023-01-10.

Allele frequency attached by ClinVar (database versions not stated): ExAC 0.00001; gnomAD exomes 0.00001; TOPMed 0.00002.
gnomAD v4.1: 12 of 1,613,312 alleles (0.00074%); highest among the groups gnomAD compares: East Asian, 0.027%; no homozygotes.

Submissions (2):

Labcorp Genetics (formerly Invitae), Labcorp
Classification: Uncertain significance. Last evaluated: 2023-01-10. Review status: criteria provided, single submitter. Criteria: Invitae Variant Classification Sherloc (09022015). Collection method: clinical testing. Allele origin: germline.
Comment: In summary, the available evidence is currently insufficient to determine the role of this variant in disease. Therefore, it has been classified as a Variant of Uncertain Significance. Algorithms developed to predict the effect of sequence changes on RNA splicing suggest that this variant may disrupt the consensus splice site. ClinVar contains an entry for this variant (Variation ID: 866733). This variant has not been reported in the literature in individuals affected with IMPG1-related conditions. This variant is present in population databases (rs758038643, gnomAD 0.02%). This sequence change affects codon 166 of the IMPG1 mRNA. It is a 'silent' change, meaning that it does not change the encoded amino acid sequence of the IMPG1 protein. It affects a nucleotide within the consensus splice site.

Blueprint Genetics
Classification: Uncertain significance. Last evaluated: 2021-04-14. Review status: criteria provided, single submitter. Criteria: ACMG Guidelines, 2015. Collection method: clinical testing. Allele origin: germline.